The following is an entry in ClinVar:

NM_032444.4(SLX4):c.2843C>T (p.Ala948Val)

Gene: SLX4 (SLX4 structure-specific endonuclease subunit; minus strand). Cytogenetic location: 16p13.3.
Variant type: single nucleotide variant.
Coding change: c.2843C>T on transcript NM_032444.4 (MANE Select); coding-DNA position 2843, C replaced by T.
Protein change: p.Ala948Val; replaces alanine 948 with valine.
Molecular consequence: missense variant.
Genome position (GRCh38, 1-based): chr16:3,590,795, G>A on the plus strand (C>T on the coding strand, the complement: SLX4 is on the minus strand). VCF-style: chr16-3590795-G-A. GRCh37 (hg19) VCF-style: chr16-3640796-G-A.
Other names: short protein forms A948V.
Identifiers: ClinVar variation 854298 (VCV000854298.13), dbSNP rs781462011, ClinGen allele CA7866056.

ClinVar aggregate classification (germline): Uncertain significance. Review status: criteria provided, multiple submitters, no conflicts (2 of 4 stars). 4 submissions from 4 submitters: Uncertain significance (4). Last evaluated 2023-10-10.

Conditions:
Fanconi anemia complementation group P. Also called: SLX4-Related Fanconi Anemia. Identifiers: Orphanet 84, MedGen C3469542, MONDO:0013499, OMIM 613951.
Fanconi anemia (FA). Also called: Fanconi's anemia. Identifiers: Orphanet 84, MedGen C0015625, MeSH D005199, MONDO:0019391.

Allele frequency attached by ClinVar (database versions not stated): gnomAD exomes 0.00001 and 0.00002; gnomAD 0.00002; ExAC 0.00003; TOPMed 0.00003.
gnomAD v4.1: 19 of 1,613,878 alleles (0.0012%); highest among the groups gnomAD compares: South Asian, 0.0055%; no homozygotes.

Submissions (4):

Labcorp Genetics (formerly Invitae), Labcorp
Classification: Uncertain significance for Fanconi anemia. Last evaluated: 2023-10-10. Review status: criteria provided, single submitter. Criteria: Invitae Variant Classification Sherloc (09022015). Collection method: clinical testing. Allele origin: germline.
Comment: This sequence change replaces alanine, which is neutral and non-polar, with valine, which is neutral and non-polar, at codon 948 of the SLX4 protein (p.Ala948Val). This variant is present in population databases (rs781462011, gnomAD 0.01%). This variant has not been reported in the literature in individuals affected with SLX4-related conditions. ClinVar contains an entry for this variant (Variation ID: 854298). Algorithms developed to predict the effect of missense changes on protein structure and function output the following: SIFT: "Not Available"; PolyPhen-2: "Benign"; Align-GVGD: "Not Available". The valine amino acid residue is found in multiple mammalian species, which suggests that this missense change does not adversely affect protein function. In summary, the available evidence is currently insufficient to determine the role of this variant in disease. Therefore, it has been classified as a Variant of Uncertain Significance.

Fulgent Genetics
Classification: Uncertain significance for Fanconi anemia complementation group P. Last evaluated: 2022-01-27. Review status: criteria provided, single submitter. Criteria: ACMG Guidelines, 2015. Collection method: clinical testing. Allele origin: unknown.

Institute for Clinical Genetics, University Hospital TU Dresden, University Hospital TU Dresden
Classification: Uncertain significance. Last evaluated: 2021-11-03. Review status: criteria provided, single submitter. Criteria: ACMG Guidelines, 2015. Collection method: clinical testing. Allele origin: germline.

Genetic Services Laboratory, University of Chicago
Classification: Uncertain significance. Last evaluated: 2018-08-30. Review status: criteria provided, single submitter. Criteria: ACMG Guidelines, 2015. Collection method: clinical testing. Allele origin: germline. Affected: no.